The following is an entry in ClinVar:

ClinVar aggregate classification (germline): Uncertain significance (0 of 4 stars; one submission).

Conditions:
PTX3-related disorder. Also called: PTX3-related condition.

Allele frequency attached by ClinVar (database versions not stated): TOPMed below 0.00001; gnomAD exomes 0.00001.
gnomAD v4.1: 11 of 1,614,220 alleles (0.00068%); highest among the groups gnomAD compares: Non-Finnish European, 0.00093%; no homozygotes.

Submission:

PreventionGenetics, part of Exact Sciences
Classification: Uncertain significance for PTX3-related condition. Last evaluated: 2024-02-06. Review status: no assertion criteria provided. Collection method: clinical testing. Allele origin: germline.
Comment: The PTX3 c.716A>G variant is predicted to result in the amino acid substitution p.Tyr239Cys. To our knowledge, this variant has not been reported in the literature or in a large population database, indicating this variant is rare. At this time, the clinical significance of this variant is uncertain due to the absence of conclusive functional and genetic evidence.

NM_002852.4(PTX3):c.716A>G (p.Tyr239Cys)

Genes: PTX3 (pentraxin 3; plus strand), VEPH1 (ventricular zone expressed PH domain containing 1; minus strand). Cytogenetic location: 3q25.32.
Variant type: single nucleotide variant.
Coding change: c.716A>G on transcript NM_002852.4 (MANE Select); coding-DNA position 716, A replaced by G.
Protein change: p.Tyr239Cys; replaces tyrosine 239 with cysteine.
Molecular consequence: missense variant. On other transcripts: intron variant (3).
Genome position (GRCh38, 1-based): chr3:157,442,549, A>G. VCF-style: chr3-157442549-A-G. GRCh37 (hg19) VCF-style: chr3-157160338-A-G.
Other names: c.530-14061T>C (NM_001167911.2, NM_001167912.2, NM_024621.2); short protein forms Y239C.
Identifiers: ClinVar variation 3061396 (VCV003061396.2), dbSNP rs1734208616, ClinGen allele CA355173991.
Genomic context (GRCh38, chr3:157,442,549, plus strand): 5'-TAAACAAAACCATCCTGTTTTCCTATGGCACAAAGAGGAATCCATATGAAATCCAGCTGT[A>G]TCTCAGCTACCAATCCATAGTGTTTGTGGTGGGTGGAGAGGAGAACAAACTGGTTGCTGA-3'
Protein context (NP_002843.2, residues 229-249): TKRNPYEIQL[Tyr239Cys]LSYQSIVFVV